The following is an entry in ClinVar:

NM_014317.5(PDSS1):c.468-3T>G

Gene: PDSS1 (decaprenyl diphosphate synthase subunit 1; plus strand). Cytogenetic location: 10p12.1.
Variant type: single nucleotide variant.
Coding change: c.468-3T>G on transcript NM_014317.5 (MANE Select); 3 bases into the intron before coding-DNA position 468, T replaced by G.
Molecular consequence: intron variant. On other transcripts: 5 prime UTR variant (1).
Genome position (GRCh38, 1-based): chr10:26,720,215, T>G. VCF-style: chr10-26720215-T-G. GRCh37 (hg19) VCF-style: chr10-27009144-T-G.
Other names: c.-46T>G (NM_001321979.2); c.468-3T>G (NM_001321978.2).
Identifiers: ClinVar variation 2011948 (VCV002011948.4), dbSNP rs2491570091, ClinGen allele CA2580081411.

ClinVar aggregate classification (germline): Uncertain significance (1 of 4 stars; one submission).

Submission:

Labcorp Genetics (formerly Invitae), Labcorp
Classification: Uncertain significance. Last evaluated: 2022-06-28. Review status: criteria provided, single submitter. Criteria: Invitae Variant Classification Sherloc (09022015). Collection method: clinical testing. Allele origin: germline.
Comment: In summary, the available evidence is currently insufficient to determine the role of this variant in disease. Therefore, it has been classified as a Variant of Uncertain Significance. Variants that disrupt the consensus splice site are a relatively common cause of aberrant splicing (PMID: 17576681, 9536098). Algorithms developed to predict the effect of sequence changes on RNA splicing suggest that this variant may disrupt the consensus splice site. This variant has not been reported in the literature in individuals affected with PDSS1-related conditions. This variant is not present in population databases (gnomAD no frequency). This sequence change falls in intron 5 of the PDSS1 gene. It does not directly change the encoded amino acid sequence of the PDSS1 protein. It affects a nucleotide within the consensus splice site.

Literature cited by the submitters: PubMed 17576681; PubMed 9536098.